The following is an entry in ClinVar:

NM_138927.4(SON):c.385T>C (p.Tyr129His)

Gene: SON (SON DNA and RNA binding protein; plus strand). Cytogenetic location: 21q22.11.
Variant type: single nucleotide variant.
Coding change: c.385T>C on transcript NM_138927.4 (MANE Select); coding-DNA position 385, T replaced by C.
Protein change: p.Tyr129His; replaces tyrosine 129 with histidine.
Molecular consequence: missense variant. On other transcripts: non-coding transcript variant (1), intron variant (1).
Genome position (GRCh38, 1-based): chr21:33,549,616, T>C. VCF-style: chr21-33549616-T-C. GRCh37 (hg19) VCF-style: chr21-34921922-T-C.
Other names: c.385T>C, p.Tyr129His (NM_001291411.2, NM_032195.3); c.244+3237T>C (NM_001291412.3); short protein forms Y129H.
Identifiers: ClinVar variation 4696611 (VCV004696611.1).

ClinVar aggregate classification (germline): Uncertain significance (1 of 4 stars; one submission).

gnomAD v4.1: 2 of 1,598,022 alleles (0.00013%); highest among the groups gnomAD compares: Non-Finnish European, 0.000085%; no homozygotes.

Submission:

Labcorp Genetics (formerly Invitae), Labcorp
Classification: Uncertain significance. Last evaluated: 2025-04-09. Review status: criteria provided, single submitter. Criteria: Invitae Variant Classification Sherloc (09022015). Collection method: clinical testing. Allele origin: germline.
Comment: This sequence change replaces tyrosine, which is neutral and polar, with histidine, which is basic and polar, at codon 129 of the SON protein (p.Tyr129His). The frequency data for this variant in the population databases is considered unreliable, as metrics indicate poor data quality at this position in the gnomAD database. This variant has not been reported in the literature in individuals affected with SON-related conditions. An algorithm developed to predict the effect of missense changes on protein structure and function (PolyPhen-2) suggests that this variant is likely to be disruptive. In summary, the available evidence is currently insufficient to determine the role of this variant in disease. Therefore, it has been classified as a Variant of Uncertain Significance.